The following is an entry in ClinVar:

NM_020791.4(TAOK1):c.331T>C (p.Ser111Pro)

Gene: TAOK1 (TAO kinase 1; plus strand). Cytogenetic location: 17q11.2.
Variant type: single nucleotide variant.
Coding change: c.331T>C on transcript NM_020791.4 (MANE Select); coding-DNA position 331, T replaced by C.
Protein change: p.Ser111Pro; replaces serine 111 with proline.
Molecular consequence: missense variant.
Genome position (GRCh38, 1-based): chr17:29,477,685, T>C. VCF-style: chr17-29477685-T-C. GRCh37 (hg19) VCF-style: chr17-27804703-T-C.
Other names: c.331T>C, p.Ser111Pro (NM_025142.1); short protein forms S111P.
Identifiers: ClinVar variation 4070735 (VCV004070735.1).

ClinVar aggregate classification (germline): Uncertain significance (1 of 4 stars; one submission).

Submission:

GeneDx
Classification: Uncertain significance. Last evaluated: 2025-01-15. Review status: criteria provided, single submitter. Criteria: GeneDx Variant Classification Process June 2021. Collection method: clinical testing. Allele origin: germline. Affected: yes.
Comment: Not observed at significant frequency in large population cohorts (gnomAD); In silico analysis supports that this missense variant has a deleterious effect on protein structure/function; Has not been previously published as pathogenic or benign to our knowledge; This variant is associated with the following publications: (PMID: 36672771)